The following is an entry in ClinVar:

ClinVar aggregate classification (germline): Uncertain significance (1 of 4 stars; one submission).

Conditions:
Nephronophthisis 16 (NPHP16). Identifiers: Orphanet 655, MedGen C3809320, MONDO:0014158, OMIM 615382.

Allele frequency attached by ClinVar (database versions not stated): gnomAD exomes 0.00004; gnomAD 0.00001; TOPMed 0.00002.
gnomAD v4.1: 55 of 1,594,624 alleles (0.0034%); highest among the groups gnomAD compares: South Asian, 0.0057%; no homozygotes.

Submission:

Labcorp Genetics (formerly Invitae), Labcorp
Classification: Uncertain significance for Nephronophthisis 16. Last evaluated: 2024-04-15. Review status: criteria provided, single submitter. Criteria: Invitae Variant Classification Sherloc (09022015). Collection method: clinical testing. Allele origin: germline.
Comment: This sequence change replaces glycine, which is neutral and non-polar, with serine, which is neutral and polar, at codon 640 of the ANKS6 protein (p.Gly640Ser). This variant is present in population databases (rs749102463, gnomAD 0.007%). This variant has not been reported in the literature in individuals affected with ANKS6-related conditions. ClinVar contains an entry for this variant (Variation ID: 2073602). Algorithms developed to predict the effect of missense changes on protein structure and function output the following: SIFT: "Not Available"; PolyPhen-2: "Benign"; Align-GVGD: "Not Available". The serine amino acid residue is found in multiple mammalian species, which suggests that this missense change does not adversely affect protein function. In summary, the available evidence is currently insufficient to determine the role of this variant in disease. Therefore, it has been classified as a Variant of Uncertain Significance.

NM_173551.5(ANKS6):c.1918G>A (p.Gly640Ser)

Genes: ANKS6 (ankyrin repeat and sterile alpha motif domain containing 6; minus strand), LOC124310614 (Sharpr-MPRA regulatory region 9654; plus strand). Cytogenetic location: 9q22.33.
Variant type: single nucleotide variant.
Coding change: c.1918G>A on transcript NM_173551.5 (MANE Select); coding-DNA position 1918, G replaced by A.
Protein change: p.Gly640Ser; replaces glycine 640 with serine.
Molecular consequence: missense variant.
Genome position (GRCh38, 1-based): chr9:98,770,950, C>T on the plus strand (G>A on the coding strand, the complement: ANKS6 is on the minus strand). VCF-style: chr9-98770950-C-T. GRCh37 (hg19) VCF-style: chr9-101533232-C-T.
Other names: short protein forms G640S.
Identifiers: ClinVar variation 2073602 (VCV002073602.3), dbSNP rs749102463, ClinGen allele CA5153322.